The following is an entry in ClinVar:

NM_002693.3(POLG):c.1237_1250dup (p.Arg417fs)

Gene: POLG (DNA polymerase gamma, catalytic subunit; minus strand). Cytogenetic location: 15q26.1.
Variant type: Duplication.
Coding change: c.1237_1250dup on transcript NM_002693.3 (MANE Select); coding-DNA positions 1237 to 1250, 14 bases duplicated (CTCTTCTTGGAGAG).
Protein change: p.Arg417fs; shifts the reading frame from arginine 417.
Molecular consequence: frameshift variant.
Genome position (GRCh38, 1-based): chr15:89,328,456-89,328,469, CTCTCCAAGAAGAG duplicated on the plus strand (CTCTTCTTGGAGAG on the coding strand, the reverse complement: POLG is on the minus strand); duplicating any 14 consecutive bases within chr15:89,328,456-89,328,470 gives the same sequence; the c. name uses the placement nearest the transcript's 3' end. VCF-style (leftmost placement, unchanged base first): chr15-89328455-C-CCTCTCCAAGAAGAG. GRCh37 (hg19) VCF-style: chr15-89871686-C-CCTCTCCAAGAAGAG.
Other names: c.1237_1250dup, p.Arg417fs (NM_001126131.2); short protein forms R417fs.
Identifiers: ClinVar variation 1075687 (VCV001075687.7), dbSNP rs2152067781, ClinGen allele CA2499223139.

ClinVar aggregate classification (germline): Pathogenic (1 of 4 stars; one submission).

Conditions:
Progressive sclerosing poliodystrophy (MTDPS4A). Also called: NEURONAL DEGENERATION OF CHILDHOOD WITH LIVER DISEASE, PROGRESSIVE; Mitochondrial DNA depletion syndrome 4A (Alpers type); Alpers-Huttenlocher Syndrome (AHS); ALPERS PROGRESSIVE INFANTILE POLIODYSTROPHY; Alpers Syndrome; ALPERS DIFFUSE DEGENERATION OF CEREBRAL GRAY MATTER WITH HEPATIC CIRRHOSIS. Identifiers: Orphanet 726, MedGen C0205710, MONDO:0008758, OMIM 203700.

Submission:

Labcorp Genetics (formerly Invitae), Labcorp
Classification: Pathogenic for Progressive sclerosing poliodystrophy. Last evaluated: 2025-01-27. Review status: criteria provided, single submitter. Criteria: Invitae Variant Classification Sherloc (09022015). Collection method: clinical testing. Allele origin: germline.
Comment: This sequence change creates a premature translational stop signal (Splice site) in the POLG gene. It is expected to result in an absent or disrupted protein product. Loss-of-function variants in POLG are known to be pathogenic (PMID: 18546365). This variant is not present in population databases (gnomAD no frequency). This variant has not been reported in the literature in individuals affected with POLG-related conditions. ClinVar contains an entry for this variant (Variation ID: 1075687). For these reasons, this variant has been classified as Pathogenic.

Literature cited by the submitters: PubMed 18546365.